The following is an entry in ClinVar:

NM_005476.7(GNE):c.1769A>G (p.Tyr590Cys)

Gene: GNE (glucosamine (UDP-N-acetyl)-2-epimerase/N-acetylmannosamine kinase; minus strand). Cytogenetic location: 9p13.3.
Variant type: single nucleotide variant.
Coding change: c.1769A>G on transcript NM_005476.7 (MANE Select); coding-DNA position 1769, A replaced by G.
Protein change: p.Tyr590Cys; replaces tyrosine 590 with cysteine.
Molecular consequence: missense variant.
Genome position (GRCh38, 1-based): chr9:36,219,885, T>C on the plus strand (A>G on the coding strand, the complement: GNE is on the minus strand). VCF-style: chr9-36219885-T-C. GRCh37 (hg19) VCF-style: chr9-36219882-T-C.
Other names: c.1862A>G (NM_001128227.2); c.1862A>G, p.Tyr621Cys (NM_001128227.3); c.1547A>G, p.Tyr516Cys (NM_001190383.3); c.1439A>G, p.Tyr480Cys (NM_001190384.3); c.1592A>G, p.Tyr531Cys (NM_001190388.2, NM_001374798.1); c.1616A>G, p.Tyr539Cys (NM_001374797.1); short protein forms Y621C, Y516C, Y590C, Y480C, Y531C, Y539C.
Identifiers: ClinVar variation 1443730 (VCV001443730.9), dbSNP rs1363913351, ClinGen allele CA373425567.

ClinVar aggregate classification (germline): Uncertain significance. Review status: criteria provided, single submitter (1 of 4 stars). 2 submissions from 2 submitters: Uncertain significance (1). 1 of the submissions does not count toward it. Last evaluated 2022-01-14.

Conditions:
GNE myopathy (NM). Also called: INCLUSION BODY MYOPATHY, HEREDITARY, AUTOSOMAL RECESSIVE; INCLUSION BODY MYOPATHY 2, AUTOSOMAL RECESSIVE; IBM 2; NONAKA DISTAL MYOPATHY; MYOPATHY, DISTAL, WITH OR WITHOUT RIMMED VACUOLES; Inclusion body myopathy autosomal recessive. Identifiers: Orphanet 602, MedGen C1853926, MONDO:0011603, OMIM 605820.
Sialuria. Also called: SIALURIA, FRENCH TYPE; Sialic Acid Storage Disease. Identifiers: Orphanet 3166, MedGen C0342853, MONDO:0010028, OMIM 269921.

Allele frequency attached by ClinVar (database versions not stated): gnomAD 0.00001; TOPMed 0.00001.
gnomAD v4.1: 1 of 1,614,076 alleles (0.000062%); highest among the groups gnomAD compares: African/African-American, 0.0013%; no homozygotes.

Submissions (2):

Labcorp Genetics (formerly Invitae), Labcorp
Classification: Uncertain significance for Sialuria; GNE myopathy. Last evaluated: 2022-01-14. Review status: criteria provided, single submitter. Criteria: Invitae Variant Classification Sherloc (09022015). Collection method: clinical testing. Allele origin: germline.
Comment: In summary, the available evidence is currently insufficient to determine the role of this variant in disease. Therefore, it has been classified as a Variant of Uncertain Significance. Algorithms developed to predict the effect of missense changes on protein structure and function (SIFT, PolyPhen-2, Align-GVGD) all suggest that this variant is likely to be disruptive. This variant has not been reported in the literature in individuals affected with GNE-related conditions. This variant is present in population databases (no rsID available, gnomAD 0.02%). This sequence change replaces tyrosine, which is neutral and polar, with cysteine, which is neutral and slightly polar, at codon 621 of the GNE protein (p.Tyr621Cys).

Natera, Inc.
Classification: Uncertain significance for Nonaka myopathy. Last evaluated: 2025-05-19. Review status: no assertion criteria provided. Collection method: clinical testing. Allele origin: germline. Not counted in ClinVar's aggregate classification.